The following is an entry in ClinVar:

ClinVar aggregate classification (germline): Pathogenic. Review status: criteria provided, multiple submitters, no conflicts (2 of 4 stars). 2 submissions from 2 submitters: Pathogenic (2). Last evaluated 2024-12-16.

Conditions:
Intellectual disability. Also called: intellectual disabilities; Intellectual developmental disorder; Intellectual functioning disability. Identifiers: MedGen C3714756, MeSH D008607, MONDO:0001071, HP:0001249.

Submissions (2):

GeneDx
Classification: Pathogenic. Last evaluated: 2024-12-16. Review status: criteria provided, single submitter. Criteria: GeneDx Variant Classification Process June 2021. Collection method: clinical testing. Allele origin: germline. Affected: yes.
Comment: Canonical splice site variant predicted to result in a null allele in a gene for which loss of function is a known mechanism of disease; Not observed at significant frequency in large population cohorts (gnomAD); This variant is associated with the following publications: (PMID: 38284452)

Diagnostic Laboratory, Strasbourg University Hospital
Classification: Pathogenic for Intellectual disability. Last evaluated: 2020-09-10. Review status: criteria provided, single submitter. Criteria: ACMG Guidelines, 2015. Collection method: clinical testing. Allele origin: de novo. Affected: yes. Observed: 1 heterozygote.

NM_001356.5(DDX3X):c.765+1G>A

Gene: DDX3X (DEAD-box helicase 3 X-linked; plus strand). Cytogenetic location: Xp11.4.
Variant type: single nucleotide variant.
Coding change: c.765+1G>A on transcript NM_001356.5 (MANE Select); the canonical splice donor site of the intron after coding-DNA position 765, G replaced by A.
Molecular consequence: splice donor variant.
Genome position (GRCh38, 1-based): chrX:41,343,823, G>A. VCF-style: chrX-41343823-G-A. GRCh37 (hg19) VCF-style: chrX-41203076-G-A.
Other names: c.765+1G>A (NM_001193416.3); c.717+1G>A (NM_001193417.3); c.207+1G>A (NM_001363819.1).
Identifiers: ClinVar variation 981365 (VCV000981365.2), dbSNP rs2063885834, ClinGen allele CA412769835.